The following is an entry in ClinVar:

NM_015311.3(OBSL1):c.5210C>T (p.Thr1737Met)

Gene: OBSL1 (obscurin like cytoskeletal adaptor 1; minus strand). Cytogenetic location: 2q35.
Variant type: single nucleotide variant.
Coding change: c.5210C>T on transcript NM_015311.3 (MANE Select); coding-DNA position 5210, C replaced by T.
Protein change: p.Thr1737Met; replaces threonine 1737 with methionine.
Molecular consequence: missense variant.
Genome position (GRCh38, 1-based): chr2:219,552,634, G>A on the plus strand (C>T on the coding strand, the complement: OBSL1 is on the minus strand). VCF-style: chr2-219552634-G-A. GRCh37 (hg19) VCF-style: chr2-220417356-G-A.
Other names: c.5210C>T (NM_015311.2); short protein forms T1737M.
Identifiers: ClinVar variation 1040395 (VCV001040395.5), dbSNP rs199594182, ClinGen allele CA66022323.

ClinVar aggregate classification (germline): Uncertain significance. Review status: criteria provided, multiple submitters, no conflicts (2 of 4 stars). 2 submissions from 2 submitters: Uncertain significance (2). Last evaluated 2025-01-18.

Conditions:
Inborn genetic diseases. Identifiers: MedGen C0950123, MeSH D030342.

gnomAD v4.1: 16 of 1,559,896 alleles (0.001%); highest among the groups gnomAD compares: Admixed American, 0.022%; no homozygotes.

Submissions (2):

Ambry Genetics
Classification: Uncertain significance for Inborn genetic diseases. Last evaluated: 2025-01-18. Review status: criteria provided, single submitter. Criteria: Ambry Variant Classification Scheme 2023. Collection method: clinical testing. Allele origin: germline.

Labcorp Genetics (formerly Invitae), Labcorp
Classification: Uncertain significance. Last evaluated: 2025-01-13. Review status: criteria provided, single submitter. Criteria: Invitae Variant Classification Sherloc (09022015). Collection method: clinical testing. Allele origin: germline.
Comment: This sequence change replaces threonine, which is neutral and polar, with methionine, which is neutral and non-polar, at codon 1737 of the OBSL1 protein (p.Thr1737Met). This variant is present in population databases (no rsID available, gnomAD 0.04%). This variant has not been reported in the literature in individuals affected with OBSL1-related conditions. ClinVar contains an entry for this variant (Variation ID: 1040395). An algorithm developed to predict the effect of missense changes on protein structure and function (PolyPhen-2) suggests that this variant is likely to be disruptive. In summary, the available evidence is currently insufficient to determine the role of this variant in disease. Therefore, it has been classified as a Variant of Uncertain Significance.